The following is an entry in ClinVar:

ClinVar aggregate classification (germline): Likely benign (1 of 4 stars; one submission).

Conditions:
PLXNA4-related disorder. Also called: PLXNA4-related condition.

gnomAD v4.1: 39 of 1,614,126 alleles (0.0024%); highest among the groups gnomAD compares: Non-Finnish European, 0.0032%; no homozygotes.

Submission:

PreventionGenetics, part of Exact Sciences
Classification: Likely benign for PLXNA4-related condition. Last evaluated: 2025-05-30. Review status: criteria provided, single submitter. Criteria: ACMG Guidelines, 2015. Collection method: clinical testing. Allele origin: germline.
Comment: This variant is classified as likely benign based on ACMG/AMP sequence variant interpretation guidelines (Richards et al. 2015 PMID: 25741868, with internal and published modifications).

NM_020911.2(PLXNA4):c.4404G>A (p.Gln1468=)

Gene: PLXNA4 (plexin A4; minus strand). Cytogenetic location: 7q32.3.
Variant type: single nucleotide variant.
Coding change: c.4404G>A on transcript NM_020911.2 (MANE Select); coding-DNA position 4404, G replaced by A.
Protein change: p.Gln1468=; no amino-acid change (glutamine 1468 retained).
Molecular consequence: synonymous variant.
Genome position (GRCh38, 1-based): chr7:132,164,238, C>T on the plus strand (G>A on the coding strand, the complement: PLXNA4 is on the minus strand). VCF-style: chr7-132164238-C-T. GRCh37 (hg19) VCF-style: chr7-131848997-C-T.
Other names: c.4404G>A, p.Gln1468= (NM_001393897.1).
Identifiers: ClinVar variation 4988942 (VCV004988942.1).